The following is an entry in ClinVar:

NM_001393769.1(MED12L):c.5329_5330delinsTG (p.Pro1777Ter)

Gene: MED12L (mediator complex subunit 12L; plus strand). Cytogenetic location: 3q25.1.
Variant type: Indel.
Coding change: c.5329_5330delinsTG on transcript NM_001393769.1 (MANE Select); coding-DNA positions 5329 to 5330, CC replaced by TG.
Protein change: p.Pro1777Ter; replaces proline 1777 with a stop codon.
Molecular consequence: nonsense.
Genome position (GRCh38, 1-based): chr3:151,388,050-151,388,051, CC replaced by TG. VCF-style: chr3-151388050-CC-TG. GRCh37 (hg19) VCF-style: chr3-151105838-CC-TG.
Other names: c.5224_5225delinsTG, p.Pro1742Ter (NM_053002.6); short protein forms P1742*, P1777*.
Identifiers: ClinVar variation 1804112 (VCV001804112.1), dbSNP rs2474008510, ClinGen allele CA2580068968.

ClinVar aggregate classification (germline): Likely pathogenic (1 of 4 stars; one submission).

Conditions:
Nizon-Isidor syndrome. Identifiers: MedGen C5394350, MONDO:0030030, OMIM 618872.

Submission:

Institute of Human Genetics, University of Leipzig Medical Center
Classification: Likely pathogenic for Nizon-Isidor syndrome. Last evaluated: 2022-12-12. Review status: criteria provided, single submitter. Criteria: ACMG Guidelines, 2015. Collection method: clinical testing. Allele origin: unknown. Affected: yes.
Comment: _x000D_ Criteria applied: PVS1, PM2_SUP